The following is an entry in ClinVar:

ClinVar aggregate classification (germline): Uncertain significance. Review status: criteria provided, multiple submitters, no conflicts (2 of 4 stars). 2 submissions from 2 submitters: Uncertain significance (2). Last evaluated 2024-09-16.

Conditions:
Aortic valve disease 2 (AOVD2). Identifiers: MedGen C3542024, MONDO:0013902, OMIM 614823.
Inborn genetic diseases. Identifiers: MedGen C0950123, MeSH D030342.

Submissions (2):

Ambry Genetics
Classification: Uncertain significance for Inborn genetic diseases. Last evaluated: 2024-09-16. Review status: criteria provided, single submitter. Criteria: Ambry Variant Classification Scheme 2023. Collection method: clinical testing. Allele origin: germline.
Comment: The c.883_888delGATTCC (p.D295_S296del) alteration is located in exon 3 (coding exon 3) of the SMAD6 gene. This alteration consists of an in-frame deletion of 6 nucleotides between nucleotide positions c.883 and c.888, resulting in the deletion of 2 residues. This variant was not reported in population-based cohorts in the Genome Aggregation Database (gnomAD). This amino acid position is highly conserved in available vertebrate species. This alteration is predicted to be deleterious by in silico analysis (Choi, 2012). Based on insufficient or conflicting evidence, the clinical significance of this alteration remains unclear.

Labcorp Genetics (formerly Invitae), Labcorp
Classification: Uncertain significance for Aortic valve disease 2. Last evaluated: 2024-02-03. Review status: criteria provided, single submitter. Criteria: Invitae Variant Classification Sherloc (09022015). Collection method: clinical testing. Allele origin: germline.
Comment: This variant, c.883_888del, results in the deletion of 2 amino acid(s) of the SMAD6 protein (p.Asp295_Ser296del), but otherwise preserves the integrity of the reading frame. This variant is not present in population databases (gnomAD no frequency). This variant has not been reported in the literature in individuals affected with SMAD6-related conditions. Experimental studies and prediction algorithms are not available or were not evaluated, and the functional significance of this variant is currently unknown. In summary, the available evidence is currently insufficient to determine the role of this variant in disease. Therefore, it has been classified as a Variant of Uncertain Significance.

NM_005585.5(SMAD6):c.883_888del (p.Asp295_Ser296del)

Gene: SMAD6 (SMAD family member 6; plus strand). Cytogenetic location: 15q22.31.
Variant type: Deletion.
Coding change: c.883_888del on transcript NM_005585.5 (MANE Select); coding-DNA positions 883 to 888, 6 bases deleted (GATTCC; older notation c.883_888delGATTCC).
Protein change: p.Asp295_Ser296del.
Molecular consequence: non-coding transcript variant (on NR_027654.2).
Genome position (GRCh38, 1-based): chr15:66,716,429-66,716,434, GATTCC deleted; deleting any 6 consecutive bases within chr15:66,716,426-66,716,434 gives the same sequence; the c. name uses the placement nearest the transcript's 3' end. VCF-style (leftmost placement, unchanged base first): chr15-66716425-GTCCGAT-G. GRCh37 (hg19) VCF-style: chr15-67008763-GTCCGAT-G.
Identifiers: ClinVar variation 3445915 (VCV003445915.3).